The following is an entry in ClinVar:

ClinVar aggregate classification (germline): Uncertain significance (1 of 4 stars; one submission).

gnomAD v4.1: 4 of 1,614,020 alleles (0.00025%); highest among the groups gnomAD compares: African/African-American, 0.0027%; no homozygotes.

Submission:

GeneDx
Classification: Uncertain significance. Last evaluated: 2026-03-19. Review status: criteria provided, single submitter. Criteria: GeneDx Variant Classification Process June 2021. Collection method: clinical testing. Allele origin: germline.
Comment: Not observed at significant frequency in large population cohorts (gnomAD); In silico analysis suggests that this missense variant does not alter protein structure/function; Has not been previously published as pathogenic or benign to our knowledge

NM_002163.4(IRF8):c.1151G>A (p.Ser384Asn)

Gene: IRF8 (interferon regulatory factor 8; plus strand). Cytogenetic location: 16q24.1.
Variant type: single nucleotide variant.
Coding change: c.1151G>A on transcript NM_002163.4 (MANE Select); coding-DNA position 1151, G replaced by A.
Protein change: p.Ser384Asn; replaces serine 384 with asparagine.
Molecular consequence: missense variant.
Genome position (GRCh38, 1-based): chr16:85,921,152, G>A. VCF-style: chr16-85921152-G-A. GRCh37 (hg19) VCF-style: chr16-85954758-G-A.
Other names: c.1181G>A, p.Ser394Asn (NM_001363907.1); c.539G>A, p.Ser180Asn (NM_001363908.1); short protein forms S180N, S384N, S394N.
Identifiers: ClinVar variation 5016978 (VCV005016978.1).